The following is an entry in ClinVar:

ClinVar aggregate classification (germline): Uncertain significance. Review status: criteria provided, multiple submitters, no conflicts (2 of 4 stars). 3 submissions from 3 submitters: Uncertain significance (3). Last evaluated 2024-11-13.

Conditions:
Neuromuscular disease caused by qualitative or quantitative defects of dysferlin. Also called: Dysferlinopathy; Qualitative or quantitative defects of dysferlin. Identifiers: Orphanet 207073, MedGen C2931687, MONDO:0016145.

gnomAD v4.1: 20 of 1,614,064 alleles (0.0012%); highest among the groups gnomAD compares: South Asian, 0.021%; 1 homozygote.

Submissions (3):

Blueprint Genetics
Classification: Uncertain significance. Last evaluated: 2024-11-13. Review status: criteria provided, single submitter. Criteria: ACMG Guidelines, 2015. Collection method: clinical testing. Allele origin: germline.

Revvity Omics, Revvity
Classification: Uncertain significance. Last evaluated: 2023-08-07. Review status: criteria provided, single submitter. Criteria: ACMG Guidelines, 2015. Collection method: clinical testing. Allele origin: germline.

Labcorp Genetics (formerly Invitae), Labcorp
Classification: Uncertain significance for Neuromuscular disease caused by qualitative or quantitative defects of dysferlin. Last evaluated: 2021-08-27. Review status: criteria provided, single submitter. Criteria: Invitae Variant Classification Sherloc (09022015). Collection method: clinical testing. Allele origin: germline.
Comment: This sequence change replaces serine with tryptophan at codon 483 of the DYSF protein (p.Ser483Trp). The serine residue is moderately conserved and there is a large physicochemical difference between serine and tryptophan. This variant is present in population databases (rs139258703, ExAC 0.03%). This variant has not been reported in the literature in individuals affected with DYSF-related conditions. Algorithms developed to predict the effect of missense changes on protein structure and function are either unavailable or do not agree on the potential impact of this missense change (SIFT: "Deleterious"; PolyPhen-2: "Probably Damaging"; Align-GVGD: "Class C0"). In summary, the available evidence is currently insufficient to determine the role of this variant in disease. Therefore, it has been classified as a Variant of Uncertain Significance.

NM_001130987.2(DYSF):c.1544C>G (p.Ser515Trp)

Gene: DYSF (dysferlin; plus strand). Cytogenetic location: 2p13.2.
Variant type: single nucleotide variant.
Coding change: c.1544C>G on transcript NM_001130987.2 (MANE Select); coding-DNA position 1544, C replaced by G.
Protein change: p.Ser515Trp; replaces serine 515 with tryptophan.
Molecular consequence: missense variant.
Genome position (GRCh38, 1-based): chr2:71,539,207, C>G. VCF-style: chr2-71539207-C-G. GRCh37 (hg19) VCF-style: chr2-71766337-C-G.
Other names: c.1451C>G, p.Ser484Trp (NM_001130455.2, NM_001130983.2, NM_001130984.2 and 1 more transcripts); c.1448C>G, p.Ser483Trp (NM_001130976.2, NM_001130977.2, NM_001130978.2 and 1 more transcripts); c.1541C>G, p.Ser514Trp (NM_001130979.2, NM_001130980.2, NM_001130981.2); c.1544C>G, p.Ser515Trp (NM_001130982.2, NM_001130985.2); short protein forms S483W, S484W, S515W, S514W.
Identifiers: ClinVar variation 2191355 (VCV002191355.4), dbSNP rs139258703, ClinGen allele CA1705803.